The following is an entry in ClinVar:

ClinVar aggregate classification (germline): Uncertain significance (1 of 4 stars; one submission).

gnomAD v4.1: 3 of 1,614,234 alleles (0.00019%); highest among the groups gnomAD compares: Non-Finnish European, 0.00025%; no homozygotes.

Submission:

Labcorp Genetics (formerly Invitae), Labcorp
Classification: Uncertain significance. Last evaluated: 2022-11-24. Review status: criteria provided, single submitter. Criteria: Invitae Variant Classification Sherloc (09022015). Collection method: clinical testing. Allele origin: germline.
Comment: This sequence change replaces proline, which is neutral and non-polar, with leucine, which is neutral and non-polar, at codon 1104 of the SRRM2 protein (p.Pro1104Leu). This variant is present in population databases (no rsID available, gnomAD 0.0009%). This variant has not been reported in the literature in individuals affected with SRRM2-related conditions. Algorithms developed to predict the effect of missense changes on protein structure and function are either unavailable or do not agree on the potential impact of this missense change (SIFT: "Deleterious"; PolyPhen-2: "Not Available"; Align-GVGD: "Class C65"). In summary, the available evidence is currently insufficient to determine the role of this variant in disease. Therefore, it has been classified as a Variant of Uncertain Significance.

NM_016333.4(SRRM2):c.3311C>T (p.Pro1104Leu)

Gene: SRRM2 (serine/arginine repetitive matrix 2; plus strand). Cytogenetic location: 16p13.3.
Variant type: single nucleotide variant.
Coding change: c.3311C>T on transcript NM_016333.4 (MANE Select); coding-DNA position 3311, C replaced by T.
Protein change: p.Pro1104Leu; replaces proline 1104 with leucine.
Molecular consequence: missense variant.
Genome position (GRCh38, 1-based): chr16:2,763,839, C>T. VCF-style: chr16-2763839-C-T. GRCh37 (hg19) VCF-style: chr16-2813840-C-T.
Other names: short protein forms P1104L.
Identifiers: ClinVar variation 2886608 (VCV002886608.3), dbSNP rs1478736947, ClinGen allele CA394413430.